The following is an entry in ClinVar:

ClinVar aggregate classification (germline): Pathogenic/Likely pathogenic. Review status: criteria provided, multiple submitters, no conflicts (2 of 4 stars). 6 submissions from 6 submitters: Pathogenic (5); Likely pathogenic (1). Last evaluated 2026-02-01.

Conditions:
Tooth agenesis, selective, 10 (STHAG10). Identifiers: MedGen C5774277, MONDO:0859339, OMIM 620173.
Ectodermal dysplasia 14, hair/tooth type with or without hypohidrosis. Identifiers: Orphanet 685067, MedGen C4748560, MONDO:0032584, OMIM 618180.
TSPEAR-related disorder. Also called: TSPEAR-related condition.

Allele frequency attached by ClinVar (database versions not stated): gnomAD exomes 0.00001 and 0.00004; TOPMed 0.00002; ExAC 0.00003.
gnomAD v4.1: 16 of 1,612,504 alleles (0.00099%); highest among the groups gnomAD compares: Admixed American, 0.012%; no homozygotes.

Submissions (6):

Labcorp Genetics (formerly Invitae), Labcorp
Classification: Pathogenic. Last evaluated: 2026-02-01. Review status: criteria provided, single submitter. Criteria: Invitae Variant Classification Sherloc (09022015). Collection method: clinical testing. Allele origin: germline.
Comment: This sequence change creates a premature translational stop signal (p.Arg144*) in the TSPEAR gene. It is expected to result in an absent or disrupted protein product. Loss-of-function variants in TSPEAR are known to be pathogenic (PMID: 34042254). This variant is present in population databases (rs782159618, gnomAD 0.03%). This variant has not been reported in the literature in individuals affected with TSPEAR-related conditions. ClinVar contains an entry for this variant (Variation ID: 1311928). For these reasons, this variant has been classified as Pathogenic.

GeneDx
Classification: Pathogenic. Last evaluated: 2026-01-09. Review status: criteria provided, single submitter. Criteria: GeneDx Variant Classification Process June 2021. Collection method: clinical testing. Allele origin: germline. Affected: yes.
Comment: Has not been previously published as pathogenic or benign to our knowledge; Nonsense variant predicted to result in protein truncation or nonsense mediated decay in a gene for which loss of function is a known mechanism of disease

Victorian Clinical Genetics Services, Murdoch Childrens Research Institute
Classification: Pathogenic for Ectodermal dysplasia 14, hair/tooth type with or without hypohidrosis. Last evaluated: 2025-12-18. Review status: criteria provided, single submitter. Criteria: ACMG Guidelines, 2015. Collection method: clinical testing. Allele origin: germline.
Comment: This variant is classified as Pathogenic. Evidence in support of pathogenic classification: Variant is predicted to cause nonsense-mediated decay (NMD) and loss of protein (premature termination codon is located at least 54 nucleotides upstream of the final exon-exon junction); Variant is present in gnomAD <0.01 for a recessive condition (v4: 16 heterozygote(s), 0 homozygote(s)); This variant has moderate previous evidence of pathogenicity in unrelated individuals. This variant has been classified as pathogenic by multiple clinical laboratories (ClinVar); Other NMD-predicted variant(s) comparable to the one identified in this case have very strong previous evidence for pathogenicity (DECIPHER). Additional information: This gene is associated with autosomal recessive disease; Loss of function is a known mechanism of disease in this gene and is associated with tooth agenesis, selective, 10 (MIM#620173) and ectodermal dysplasia 14, hypohidrotic/hair/tooth/nail type (MIM#618180); Variants in this gene are known to have variable expressivity. Intrafamilial variability has been reported (PMIDs: 37009414, 41163957).

PreventionGenetics, part of Exact Sciences
Classification: Likely pathogenic for TSPEAR-related condition. Last evaluated: 2025-08-22. Review status: criteria provided, single submitter. Criteria: ACMG Guidelines, 2015. Collection method: clinical testing. Allele origin: germline.
Comment: The TSPEAR c.430C>T variant is predicted to result in premature protein termination (p.Arg144*). To our knowledge, this variant has not been reported in the literature. This variant is reported in 0.027% of alleles in individuals of East Asian descent in gnomAD. Nonsense variants in TSPEAR are expected to be pathogenic. This variant is interpreted as likely pathogenic.

Genomic Medicine Center of Excellence, King Faisal Specialist Hospital and Research Centre
Classification: Pathogenic for Tooth agenesis, selective, 10. Last evaluated: 2024-12-18. Review status: criteria provided, single submitter. Criteria: ACMG Guidelines, 2015. Collection method: clinical testing. Allele origin: germline.

3billion
Classification: Pathogenic for Tooth agenesis, selective, 10. Last evaluated: 2024-11-27. Review status: criteria provided, single submitter. Criteria: ACMG Guidelines, 2015. Collection method: clinical testing. Allele origin: germline. Affected: yes.
Comment: The variant is observed at an extremely low frequency in the gnomAD v4.1.0 dataset (total allele frequency: 0.001%). Predicted Consequence/Location: Stop-gained (nonsense): predicted to result in a loss or disruption of normal protein function through nonsense-mediated decay (NMD) or protein truncation. Multiple pathogenic variants are reported downstream of the variant. The variant has been reported at least twice as pathogenic with clinical assertions and evidence for the classification (ClinVar ID: VCV001311928). Therefore, this variant is classified as Pathogenic according to the recommendation of ACMG/AMP guideline.

Literature cited by the submitters: PubMed 34042254 (cited by Labcorp Genetics (formerly Invitae), Labcorp); PubMed 37009414 (cited by Victorian Clinical Genetics Services, Murdoch Childrens Research Institute); PubMed 41163957 (cited by Victorian Clinical Genetics Services, Murdoch Childrens Research Institute).

NM_144991.3(TSPEAR):c.430C>T (p.Arg144Ter)

Gene: TSPEAR (thrombospondin type laminin G domain and EAR repeats; minus strand). Cytogenetic location: 21q22.3.
Variant type: single nucleotide variant.
Coding change: c.430C>T on transcript NM_144991.3 (MANE Select); coding-DNA position 430, C replaced by T.
Protein change: p.Arg144Ter; replaces arginine 144 with a stop codon.
Molecular consequence: nonsense.
Genome position (GRCh38, 1-based): chr21:44,533,797, G>A on the plus strand (C>T on the coding strand, the complement: TSPEAR is on the minus strand). VCF-style: chr21-44533797-G-A. GRCh37 (hg19) VCF-style: chr21-45953680-G-A.
Other names: c.226C>T, p.Arg76Ter (NM_001272037.2); short protein forms R144*, R76*.
Identifiers: ClinVar variation 1311928 (VCV001311928.13), dbSNP rs782159618, ClinGen allele CA10057022.
Genomic context (GRCh38, chr21:44,533,797, plus strand): 5'-CAGCCAGGACCAGTGTGTGCCAGCGGCCATCCACCAGGGCCGGGCTGCGGAAGGACACTC[G>A]GGTCTGCCAGGCGCCGGCCGTGTCCTCGCGAAGGAACAGGAAGTGCAGCTGGGCAGGTGA-3'